The following is an entry in ClinVar:

ClinVar aggregate classification (germline): Pathogenic/Likely pathogenic. Review status: criteria provided, multiple submitters, no conflicts (2 of 4 stars). 2 submissions from 2 submitters: Pathogenic (1); Likely pathogenic (1). Last evaluated 2025-07-29.

Conditions:
Hypertrophic cardiomyopathy. Also called: HYPERTROPHIC MYOCARDIOPATHY. Identifiers: Orphanet 217569, MedGen C0007194, MeSH D002312, MONDO:0005045, HP:0001639.

Submissions (2):

Labcorp Genetics (formerly Invitae), Labcorp
Classification: Pathogenic for Hypertrophic cardiomyopathy. Last evaluated: 2025-07-29. Review status: criteria provided, single submitter. Criteria: Invitae Variant Classification Sherloc (09022015). Collection method: clinical testing. Allele origin: germline.
Comment: This sequence change creates a premature translational stop signal (p.Met103Ilefs*11) in the MYBPC3 gene. It is expected to result in an absent or disrupted protein product. Loss-of-function variants in MYBPC3 are known to be pathogenic (PMID: 19574547). This variant is not present in population databases (gnomAD no frequency). This premature translational stop signal has been observed in individual(s) with hypertrophic cardiomyopathy (PMID: 34714385). ClinVar contains an entry for this variant (Variation ID: 454323). For these reasons, this variant has been classified as Pathogenic.

Stanford Center for Inherited Cardiovascular Disease, Stanford University
Classification: Likely pathogenic. Last evaluated: 2017-02-21. Review status: criteria provided, single submitter. Criteria: ACMG Guidelines, 2015. Collection method: provider interpretation. Allele origin: germline.

Literature cited by the submitters: PubMed 19574547 (cited by Labcorp Genetics (formerly Invitae), Labcorp); PubMed 34714385 (cited by Labcorp Genetics (formerly Invitae), Labcorp).

NM_000256.3(MYBPC3):c.305_308dup (p.Met103fs)

Gene: MYBPC3 (myosin binding protein C3; minus strand). Cytogenetic location: 11p11.2.
Variant type: Duplication.
Coding change: c.305_308dup on transcript NM_000256.3 (MANE Select); coding-DNA positions 305 to 308, 4 bases duplicated (CCAT; older notation c.305_308dupCCAT).
Protein change: p.Met103fs; shifts the reading frame from methionine 103.
Molecular consequence: frameshift variant.
Genome position (GRCh38, 1-based): chr11:47,350,600-47,350,603, ATGG duplicated on the plus strand (CCAT on the coding strand, the reverse complement: MYBPC3 is on the minus strand). VCF-style (leftmost placement, unchanged base first): chr11-47350599-C-CATGG. GRCh37 (hg19) VCF-style: chr11-47372150-C-CATGG.
Other names: c.305_308dup, p.Met103fs (LRG_386t1); c.305_308dupCCAT (NM_000256.3); short protein forms M103fs.
Identifiers: ClinVar variation 454323 (VCV000454323.8), dbSNP rs1555123633, ClinGen allele CA658658055.